The following is an entry in ClinVar:

ClinVar aggregate classification (germline): Uncertain significance (1 of 4 stars; one submission).

Allele frequency attached by ClinVar (database versions not stated): gnomAD exomes below 0.00001; TOPMed below 0.00001.
gnomAD v4.1: 2 of 1,581,482 alleles (0.00013%); highest among the groups gnomAD compares: Non-Finnish European, 0.000086%; no homozygotes.

Submission:

Labcorp Genetics (formerly Invitae), Labcorp
Classification: Uncertain significance. Last evaluated: 2022-07-12. Review status: criteria provided, single submitter. Criteria: Invitae Variant Classification Sherloc (09022015). Collection method: clinical testing. Allele origin: germline.
Comment: This sequence change falls in intron 2 of the AGBL5 gene. It does not directly change the encoded amino acid sequence of the AGBL5 protein. It affects a nucleotide within the consensus splice site. This variant is not present in population databases (gnomAD no frequency). This variant has not been reported in the literature in individuals affected with AGBL5-related conditions. ClinVar contains an entry for this variant (Variation ID: 1378712). Variants that disrupt the consensus splice site are a relatively common cause of aberrant splicing (PMID: 17576681, 9536098). Algorithms developed to predict the effect of sequence changes on RNA splicing suggest that this variant is not likely to affect RNA splicing. In summary, the available evidence is currently insufficient to determine the role of this variant in disease. Therefore, it has been classified as a Variant of Uncertain Significance.

Literature cited by the submitters: PubMed 17576681; PubMed 9536098.

NM_021831.6(AGBL5):c.215+4T>C

Gene: AGBL5 (AGBL carboxypeptidase 5; plus strand). Cytogenetic location: 2p23.3.
Variant type: single nucleotide variant.
Coding change: c.215+4T>C on transcript NM_021831.6 (MANE Select); 4 bases into the intron after coding-DNA position 215, T replaced by C.
Molecular consequence: intron variant.
Genome position (GRCh38, 1-based): chr2:27,053,177, T>C. VCF-style: chr2-27053177-T-C. GRCh37 (hg19) VCF-style: chr2-27276045-T-C.
Other names: c.215+4T>C (NM_001035507.3).
Identifiers: ClinVar variation 1378712 (VCV001378712.3), dbSNP rs913232105, ClinGen allele CA44463913.